The following is an entry in ClinVar:

NM_004522.3(KIF5C):c.275A>G (p.Lys92Arg)

Gene: KIF5C (kinesin family member 5C; plus strand). Cytogenetic location: 2q23.1.
Variant type: single nucleotide variant.
Coding change: c.275A>G on transcript NM_004522.3 (MANE Select); coding-DNA position 275, A replaced by G.
Protein change: p.Lys92Arg; replaces lysine 92 with arginine.
Molecular consequence: missense variant.
Genome position (GRCh38, 1-based): chr2:148,929,338, A>G. VCF-style: chr2-148929338-A-G. GRCh37 (hg19) VCF-style: chr2-149686907-A-G.
Other names: short protein forms K92R.
Identifiers: ClinVar variation 2443686 (VCV002443686.2), dbSNP rs2468202034, ClinGen allele CA348727064.

ClinVar aggregate classification (germline): Likely pathogenic. Review status: criteria provided, multiple submitters, no conflicts (2 of 4 stars). 2 submissions from 2 submitters: Likely pathogenic (2). Last evaluated 2024-12-12.

Conditions:
Complex cortical dysplasia with other brain malformations 2. Identifiers: MedGen C3809013, MONDO:0014116, OMIM 615282.

Submissions (2):

Institute of Human Genetics, University of Leipzig Medical Center
Classification: Likely pathogenic for Complex cortical dysplasia with other brain malformations 2. Last evaluated: 2024-12-12. Review status: criteria provided, single submitter. Criteria: ACMG Guidelines, 2015. Collection method: clinical testing. Allele origin: de novo. Affected: yes.
Comment: PS2_moderate, PM1, PM4_supporting, PM2

GeneDx
Classification: Likely pathogenic. Last evaluated: 2023-03-06. Review status: criteria provided, single submitter. Criteria: GeneDx Variant Classification Process June 2021. Collection method: clinical testing. Allele origin: germline. Affected: yes.
Comment: Not observed at significant frequency in large population cohorts (gnomAD); In silico analysis supports that this missense variant has a deleterious effect on protein structure/function; Has not been previously published as pathogenic or benign to our knowledge; This variant is associated with the following publications: (PMID: 21479552)